The following is an entry in ClinVar:

ClinVar aggregate classification (germline): Pathogenic (1 of 4 stars; one submission).

Conditions:
Hereditary spastic paraplegia 15 (SPG15). Also called: SPASTIC PARAPLEGIA 15, AUTOSOMAL RECESSIVE; KJELLIN SYNDROME; SPASTIC PARAPLEGIA AND RETINAL DEGENERATION. Identifiers: Orphanet 100996, MedGen C1849128, MONDO:0010044, OMIM 270700.

Submission:

Myriad Genetics, Inc.
Classification: Pathogenic for Hereditary spastic paraplegia 15. Last evaluated: 2025-01-30. Review status: criteria provided, single submitter. Criteria: Myriad Autosomal Dominant, Autosomal Recessive and X-Linked Classification Criteria (2023). Collection method: clinical testing. Allele origin: unknown.
Comment: NM_015346.3(ZFYVE26):c.2551C>T(Q851*) is expected to be pathogenic in the context of spastic paraplegia type 15. This variant is predicted to lead to an abnormal or absent protein product due to the creation of a premature termination codon in ZFYVE26, a gene where loss-of-function variants are known to be pathogenic. Please note: this variant was assessed in the context of healthy population screening.

NM_015346.4(ZFYVE26):c.2551C>T (p.Gln851Ter)

Gene: ZFYVE26 (zinc finger FYVE-type containing 26; minus strand). Cytogenetic location: 14q24.1.
Variant type: single nucleotide variant.
Coding change: c.2551C>T on transcript NM_015346.4 (MANE Select); coding-DNA position 2551, C replaced by T.
Protein change: p.Gln851Ter; replaces glutamine 851 with a stop codon.
Molecular consequence: nonsense.
Genome position (GRCh38, 1-based): chr14:67,793,610, G>A on the plus strand (C>T on the coding strand, the complement: ZFYVE26 is on the minus strand). VCF-style: chr14-67793610-G-A. GRCh37 (hg19) VCF-style: chr14-68260327-G-A.
Other names: short protein forms Q851*.
Identifiers: ClinVar variation 5014042 (VCV005014042.1).